The following is an entry in ClinVar:

NM_000435.3(NOTCH3):c.1026G>A (p.Met342Ile)

Gene: NOTCH3 (notch receptor 3; minus strand). Cytogenetic location: 19p13.12.
Variant type: single nucleotide variant.
Coding change: c.1026G>A on transcript NM_000435.3 (MANE Select); coding-DNA position 1026, G replaced by A.
Protein change: p.Met342Ile; replaces methionine 342 with isoleucine.
Molecular consequence: missense variant.
Genome position (GRCh38, 1-based): chr19:15,191,434, C>T on the plus strand (G>A on the coding strand, the complement: NOTCH3 is on the minus strand). VCF-style: chr19-15191434-C-T. GRCh37 (hg19) VCF-style: chr19-15302245-C-T.
Other names: p.Met342Ile; short protein forms M342I.
Identifiers: ClinVar variation 2683485 (VCV002683485.1), dbSNP rs2512664220, ClinGen allele CA404530731.

ClinVar aggregate classification (germline): Uncertain significance (1 of 4 stars; one submission).

Submission:

Mayo Clinic Laboratories, Mayo Clinic
Classification: Uncertain significance. Last evaluated: 2023-02-07. Review status: criteria provided, single submitter. Criteria: ACMG Guidelines, 2015. Collection method: clinical testing. Allele origin: germline. Observed: 1 variant allele.
Comment: PM2